The following is an entry in ClinVar:

ClinVar aggregate classification (germline): Uncertain significance (1 of 4 stars; one submission).

Conditions:
Biotinidase deficiency. Also called: BTD deficiency; Late-onset biotin-responsive multiple carboxylase deficiency; Biotin deficiency. Identifiers: Orphanet 79241, MedGen C0220754, MONDO:0009665, OMIM 253260.

Allele frequency attached by ClinVar (database versions not stated): gnomAD exomes below 0.00001; ESP Exome Variant Server 0.00008.
gnomAD v4.1: 3 of 1,614,130 alleles (0.00019%); highest among the groups gnomAD compares: African/African-American, 0.0013%; no homozygotes.

Submission:

Labcorp Genetics (formerly Invitae), Labcorp
Classification: Uncertain significance for Biotinidase deficiency. Last evaluated: 2022-08-17. Review status: criteria provided, single submitter. Criteria: Invitae Variant Classification Sherloc (09022015). Collection method: clinical testing. Allele origin: germline.
Comment: This sequence change replaces aspartic acid, which is acidic and polar, with glycine, which is neutral and non-polar, at codon 189 of the BTD protein (p.Asp189Gly). This variant is present in population databases (rs139829181, gnomAD 0.007%). This missense change has been observed in individual(s) with clinical features of biotinidase deficiency (PMID: 26810761). Algorithms developed to predict the effect of missense changes on protein structure and function (SIFT, PolyPhen-2, Align-GVGD) all suggest that this variant is likely to be disruptive. In summary, the available evidence is currently insufficient to determine the role of this variant in disease. Therefore, it has been classified as a Variant of Uncertain Significance.

Literature cited by the submitters: PubMed 26810761.

NM_001370658.1(BTD):c.506A>G (p.Asp169Gly)

Gene: BTD (biotinidase; plus strand). Cytogenetic location: 3p25.1.
Variant type: single nucleotide variant.
Coding change: c.506A>G on transcript NM_001370658.1 (MANE Select); coding-DNA position 506, A replaced by G.
Protein change: p.Asp169Gly; replaces aspartic acid 169 with glycine.
Molecular consequence: missense variant. On other transcripts: intron variant (1).
Genome position (GRCh38, 1-based): chr3:15,644,422, A>G. VCF-style: chr3-15644422-A-G. GRCh37 (hg19) VCF-style: chr3-15685929-A-G.
Other names: c.566A>G, p.Asp189Gly (NM_000060.4); c.506A>G, p.Asp169Gly (NM_001281723.4, NM_001281724.3, NM_001281725.3 and 18 more transcripts); c.399+2365A>G (NM_001370753.1); short protein forms D169G.
Identifiers: ClinVar variation 2203314 (VCV002203314.1), dbSNP rs139829181, ClinGen allele CA70621563.